The following is an entry in ClinVar:

ClinVar aggregate classification (germline): Uncertain significance (1 of 4 stars; one submission).

Conditions:
Cardiovascular phenotype. Identifiers: MedGen CN230736.

Allele frequency attached by ClinVar (database versions not stated): gnomAD 0.00001; TOPMed 0.00001.
gnomAD v4.1: 5 of 1,336,542 alleles (0.00037%); highest among the groups gnomAD compares: Non-Finnish European, 0.0005%; no homozygotes.

Submission:

Ambry Genetics
Classification: Uncertain significance for Cardiovascular phenotype. Last evaluated: 2020-11-09. Review status: criteria provided, single submitter. Criteria: Ambry Variant Classification Scheme 2023. Collection method: clinical testing. Allele origin: germline.
Comment: The c.286+5G>A intronic variant results from a G to A substitution 5 nucleotides after coding exon 2 in the TECRL gene. This nucleotide position is highly conserved in available vertebrate species. In silico splice site analysis predicts that this alteration will weaken the native splice donor site. Since supporting evidence is limited at this time, the clinical significance of this alteration remains unclear.

NM_001010874.5(TECRL):c.286+5G>A

Gene: TECRL (trans-2,3-enoyl-CoA reductase like; minus strand). Cytogenetic location: 4q13.1.
Variant type: single nucleotide variant.
Coding change: c.286+5G>A on transcript NM_001010874.5 (MANE Select); 5 bases into the intron after coding-DNA position 286, G replaced by A.
Molecular consequence: intron variant.
Genome position (GRCh38, 1-based): chr4:64,375,167, C>T on the plus strand (G>A on the coding strand, the complement: TECRL is on the minus strand). VCF-style: chr4-64375167-C-T. GRCh37 (hg19) VCF-style: chr4-65240885-C-T.
Other names: c.286+5G>A (NM_001363796.1).
Identifiers: ClinVar variation 1796954 (VCV001796954.2), dbSNP rs1404459111, ClinGen allele CA797328614.
Genomic context (GRCh38, chr4:64,375,167, plus strand): 5'-AAAATTTAAACCTATTTGAAAATAAAACATTATGATGTAAATTCTAAATAATATATAAAA[C>T]TTACATGCTTTGTGAAACTTTTGCTTAACATCATGAATAGTAGATGATTGTGTCACCTGA-3'